The following is an entry in ClinVar:

NM_001370298.3(FGD4):c.2454+125A>G

Gene: FGD4 (FYVE, RhoGEF and PH domain containing 4; plus strand). Cytogenetic location: 12p11.21.
Variant type: single nucleotide variant.
Coding change: c.2454+125A>G on transcript NM_001370298.3 (MANE Select); 125 bases into the intron after coding-DNA position 2454, A replaced by G.
Molecular consequence: intron variant. On other transcripts: 3 prime UTR variant (1).
Genome position (GRCh38, 1-based): chr12:32,638,920, A>G. VCF-style: chr12-32638920-A-G. GRCh37 (hg19) VCF-style: chr12-32791854-A-G.
Other names: c.*8A>G (NM_001304483.2); c.2454+125A>G (NM_001384126.1); c.2298+125A>G (NM_001304481.2); c.1764+125A>G (NM_001330374.2, NM_001330373.2, NM_001384130.1); c.2043+125A>G (NM_139241.3, NM_001384127.1, NM_001385118.1 and 1 more transcripts); c.1011+125A>G (NM_001304484.2); c.1491+125A>G (NM_001370297.1).
Identifiers: ClinVar variation 3350463 (VCV003350463.1).

ClinVar aggregate classification (germline): Likely benign (0 of 4 stars; one submission).

Conditions:
FGD4-related disorder. Also called: FGD4-related condition.

gnomAD v4.1: 376 of 1,529,618 alleles (0.025%); highest among the groups gnomAD compares: Admixed American, 0.033%; no homozygotes.

Submission:

PreventionGenetics, part of Exact Sciences
Classification: Likely benign for FGD4-related condition. Last evaluated: 2024-06-12. Review status: no assertion criteria provided. Collection method: clinical testing. Allele origin: germline.
Comment: This variant is classified as likely benign based on ACMG/AMP sequence variant interpretation guidelines (Richards et al. 2015 PMID: 25741868, with internal and published modifications).